The following is an entry in ClinVar:

NM_001291415.2(KDM6A):c.225+4dup

Gene: KDM6A (lysine demethylase 6A; plus strand). Cytogenetic location: Xp11.3.
Variant type: Duplication.
Coding change: c.225+4dup on transcript NM_001291415.2 (MANE Select); 4 bases into the intron after coding-DNA position 225, one base duplicated (A; older notation c.225+4dupA).
Molecular consequence: intron variant.
Genome position (GRCh38, 1-based): chrX:44,873,991, A duplicated; the last of 2 consecutive A bases (chrX:44,873,990-44,873,991); duplicating either gives the same sequence. VCF-style (leftmost placement, unchanged base first): chrX-44873989-T-TA. GRCh37 (hg19) VCF-style: chrX-44733235-T-TA.
Other names: c.225+4dup (NM_021140.4, NM_001291416.2, NM_001291417.2 and 1 more transcripts); c.-408+4dup (NM_001291421.2).
Identifiers: ClinVar variation 1806081 (VCV001806081.1), dbSNP rs2519224805, ClinGen allele CA1139532811.
Genomic context (GRCh38, chrX:44,873,989, plus strand): 5'-TCTTTGGGTTCGTGAGATTTCATGAAGATGGCGCCAGGACGAAGGCCCTACTGGGCAAGG[T>TA]AAGGCAGCTGCGAGTCGGAGCGCGGACACCGTCTCCCTGGCCGGCGCCGCGCTCGCCCCG-3'

ClinVar aggregate classification (germline): Uncertain significance (1 of 4 stars; one submission).

Conditions:
Kabuki syndrome 2 (KABUK2). Also called: KDM6A-Related Kabuki Syndrome. Identifiers: Orphanet 2322, MedGen C3275495, MONDO:0010465, OMIM 300867.

Submission:

Victorian Clinical Genetics Services, Murdoch Childrens Research Institute
Classification: Uncertain significance for Kabuki syndrome 2. Last evaluated: 2021-05-06. Review status: criteria provided, single submitter. Criteria: ACMG Guidelines, 2015. Collection method: clinical testing. Allele origin: germline. Inheritance: X-linked dominant inheritance.
Comment: Based on the classification scheme VCGS_Germline_v1.3.3, this variant is classified as VUS-3A. Following criteria are met: 0102 - Loss of function is a known mechanism of disease in this gene and is associated with Kabuki syndrome 2 (MIM#300867). (I) 0110 - This gene is associated with X-linked dominant disease. (I) 0212 - Non-canonical splice site variant without proven consequence on splicing (no functional evidence available). (SP) 0251 - This variant is heterozygous. (I) 0301 - Variant is absent from gnomAD (both v2 and v3). (SP) 0508 - In silico predictions for abnormal splicing are conflicting. (I) 0705 - No comparable non-canonical splice site variants have previous evidence for pathogenicity. (I) 0807 - This variant has no previous evidence of pathogenicity. (I) 0905 - No published segregation evidence has been identified for this variant. (I) 1007 - No published functional evidence has been identified for this variant. (I) Legend: (SP) - Supporting pathogenic, (I) - Information, (SB) - Supporting benign